The following is an entry in ClinVar:

NM_015981.4(CAMK2A):c.900G>C (p.Lys300Asn)

Gene: CAMK2A (calcium/calmodulin dependent protein kinase II alpha; minus strand). Cytogenetic location: 5q32.
Variant type: single nucleotide variant.
Coding change: c.900G>C on transcript NM_015981.4 (MANE Select); coding-DNA position 900, G replaced by C.
Protein change: p.Lys300Asn; replaces lysine 300 with asparagine.
Molecular consequence: missense variant.
Genome position (GRCh38, 1-based): chr5:150,250,226, C>G on the plus strand (G>C on the coding strand, the complement: CAMK2A is on the minus strand). VCF-style: chr5-150250226-C-G. GRCh37 (hg19) VCF-style: chr5-149629789-C-G.
Other names: c.900G>C, p.Lys300Asn (NM_001363989.1, NM_001363990.1, NM_001369025.2 and 1 more transcripts); short protein forms K300N.
Identifiers: ClinVar variation 3600766 (VCV003600766.1).

ClinVar aggregate classification (germline): Uncertain significance (1 of 4 stars; one submission).

Submission:

GeneDx
Classification: Uncertain significance. Last evaluated: 2024-07-16. Review status: criteria provided, single submitter. Criteria: GeneDx Variant Classification Process June 2021. Collection method: clinical testing. Allele origin: germline. Affected: yes.
Comment: Not observed at significant frequency in large population cohorts (gnomAD); In silico analysis supports that this missense variant has a deleterious effect on protein structure/function; In silico analysis supports a deleterious effect on splicing